The following is an entry in ClinVar:

ClinVar aggregate classification (germline): Uncertain significance (1 of 4 stars; one submission).

Submission:

GeneDx
Classification: Uncertain significance. Last evaluated: 2024-08-02. Review status: criteria provided, single submitter. Criteria: GeneDx Variant Classification Process June 2021. Collection method: clinical testing. Allele origin: germline. Affected: yes.
Comment: Not observed at significant frequency in large population cohorts (gnomAD); In silico analysis indicates that this missense variant does not alter protein structure/function; Has not been previously published as pathogenic or benign to our knowledge

NM_005883.3(APC2):c.6305T>G (p.Leu2102Arg)

Gene: APC2 (APC regulator of WNT signaling pathway 2; plus strand). Cytogenetic location: 19p13.3.
Variant type: single nucleotide variant.
Coding change: c.6305T>G on transcript NM_005883.3 (MANE Select); coding-DNA position 6305, T replaced by G.
Protein change: p.Leu2102Arg; replaces leucine 2102 with arginine.
Molecular consequence: missense variant.
Genome position (GRCh38, 1-based): chr19:1,469,606, T>G. VCF-style: chr19-1469606-T-G. GRCh37 (hg19) VCF-style: chr19-1469605-T-G.
Other names: c.6302T>G, p.Leu2101Arg (NM_001351273.1); short protein forms L2101R, L2102R.
Identifiers: ClinVar variation 3602430 (VCV003602430.1).